The following is an entry in ClinVar:

NM_003172.4(SURF1):c.551G>A (p.Arg184Lys)

Gene: SURF1 (SURF1 cytochrome c oxidase assembly factor; minus strand). Cytogenetic location: 9q34.2.
Variant type: single nucleotide variant.
Coding change: c.551G>A on transcript NM_003172.4 (MANE Select); coding-DNA position 551, G replaced by A.
Protein change: p.Arg184Lys; replaces arginine 184 with lysine.
Molecular consequence: missense variant.
Genome position (GRCh38, 1-based): chr9:133,352,731, C>T on the plus strand (G>A on the coding strand, the complement: SURF1 is on the minus strand). VCF-style: chr9-133352731-C-T. GRCh37 (hg19) VCF-style: chr9-136219586-C-T.
Other names: c.224G>A, p.Arg75Lys (NM_001280787.1); short protein forms R184K, R75K.
Identifiers: ClinVar variation 2691282 (VCV002691282.1), dbSNP rs782141120, ClinGen allele CA200832512.

ClinVar aggregate classification (germline): Uncertain significance (1 of 4 stars; one submission).

gnomAD v4.1: 17 of 1,612,978 alleles (0.0011%); highest among the groups gnomAD compares: Non-Finnish European, 0.0014%; no homozygotes.

Submission:

Women's Health and Genetics/Laboratory Corporation of America, LabCorp
Classification: Uncertain significance. Last evaluated: 2023-12-15. Review status: criteria provided, single submitter. Criteria: LabCorp Variant Classification Summary - May 2015. Collection method: clinical testing. Allele origin: germline.
Comment: Variant summary: SURF1 c.551G>A (p.Arg184Lys) results in a conservative amino acid change in the encoded protein sequence. Five of five in-silico tools predict a benign effect of the variant on protein function. The variant was absent in 249172 control chromosomes. The available data on variant occurrences in the general population are insufficient to allow any conclusion about variant significance. To our knowledge, no occurrence of c.551G>A in individuals affected with Leigh Syndrome and no experimental evidence demonstrating its impact on protein function have been reported. No submitters have cited clinical-significance assessments for this variant to ClinVar after 2014. Based on the evidence outlined above, the variant was classified as uncertain significance.